The following is an entry in ClinVar:

NM_177438.3(DICER1):c.5286dup (p.Pro1763fs)

Gene: DICER1 (dicer 1, ribonuclease III; minus strand). Cytogenetic location: 14q32.13.
Variant type: Duplication.
Coding change: c.5286dup on transcript NM_177438.3 (MANE Select); coding-DNA position 5286, one base duplicated (T; older notation c.5286dupT).
Protein change: p.Pro1763fs; shifts the reading frame from proline 1763.
Molecular consequence: frameshift variant. On other transcripts: non-coding transcript variant (6).
Genome position (GRCh38, 1-based): chr14:95,093,966, A duplicated on the plus strand (T on the coding strand, the reverse complement: DICER1 is on the minus strand). VCF-style (leftmost placement, unchanged base first): chr14-95093965-G-GA. GRCh37 (hg19) VCF-style: chr14-95560302-G-GA.
Other names: c.5286dup, p.Pro1763fs (NM_001195573.1, NM_001271282.3, NM_001291628.2 and 8 more transcripts); c.5286dup, p.Pro1763Serfs (NM_001395681.1); c.5004dup, p.Pro1669fs (NM_001395686.1); c.4881dup, p.Pro1628fs (NM_001395687.1, NM_001395688.1, NM_001395689.1 and 1 more transcripts); c.4719dup, p.Pro1574fs (NM_001395691.1); c.3603dup, p.Pro1202fs (NM_001395697.1); short protein forms P1669fs, P1574fs, P1202fs, P1628fs, P1763fs.
Identifiers: ClinVar variation 2705754 (VCV002705754.3), dbSNP rs2542440284, ClinGen allele CA2697554150.
Genomic context (GRCh38, chr14:95,093,965, plus strand): 5'-GCATTTCATTCTTCTCAAGCTGAAACTGCACAAAGTCATCAATGACATGGAAGAGCTCAG[G>GA]AGAGACAGCTTTGAAGTACTTGTGGTAGTCGTACTTTACAGCCAGCGATGCAAAGATGGT-3'

ClinVar aggregate classification (germline): Pathogenic (1 of 4 stars; one submission).

Conditions:
DICER1-related tumor predisposition. Also called: DICER1 syndrome; DICER1-related pleuropulmonary blastoma cancer predisposition syndrome. Identifiers: Orphanet 284343, MedGen C3839822, MONDO:0100216.

Submission:

Labcorp Genetics (formerly Invitae), Labcorp
Classification: Pathogenic for DICER1-related tumor predisposition. Last evaluated: 2023-12-27. Review status: criteria provided, single submitter. Criteria: Invitae Variant Classification Sherloc (09022015). Collection method: clinical testing. Allele origin: germline.
Comment: This sequence change creates a premature translational stop signal (p.Pro1763Serfs*2) in the DICER1 gene. It is expected to result in an absent or disrupted protein product. Loss-of-function variants in DICER1 are known to be pathogenic (PMID: 19556464, 21266384). This variant is not present in population databases (gnomAD no frequency). This variant has not been reported in the literature in individuals affected with DICER1-related conditions. For these reasons, this variant has been classified as Pathogenic.

Literature cited by the submitters: PubMed 19556464; PubMed 21266384.